The following is an entry in ClinVar:

NM_017617.5(NOTCH1):c.1591G>A (p.Glu531Lys)

Gene: NOTCH1 (notch receptor 1; minus strand). Cytogenetic location: 9q34.3.
Variant type: single nucleotide variant.
Coding change: c.1591G>A on transcript NM_017617.5 (MANE Select); coding-DNA position 1591, G replaced by A.
Protein change: p.Glu531Lys; replaces glutamic acid 531 with lysine.
Molecular consequence: missense variant.
Genome position (GRCh38, 1-based): chr9:136,516,059, C>T on the plus strand (G>A on the coding strand, the complement: NOTCH1 is on the minus strand). VCF-style: chr9-136516059-C-T. GRCh37 (hg19) VCF-style: chr9-139410511-C-T.
Other names: short protein forms E531K.
Identifiers: ClinVar variation 1775928 (VCV001775928.7), dbSNP rs937879671, ClinGen allele CA201587148.

ClinVar aggregate classification (germline): Conflicting classifications of pathogenicity. Review status: criteria provided, conflicting classifications (1 of 4 stars). 4 submissions from 4 submitters: Uncertain significance (3); Likely benign (1). Last evaluated 2025-04-22.

Conditions:
Adams-Oliver syndrome 5 (AOS5). Identifiers: Orphanet 974, MedGen C4014970, MONDO:0014459, OMIM 616028.
Familial thoracic aortic aneurysm and aortic dissection (TAAD). Also called: Thoracic aortic aneurysms and dissections. Identifiers: Orphanet 91387, MedGen C4707243, MONDO:0019625.

Allele frequency attached by ClinVar (database versions not stated): gnomAD exomes below 0.00001.
gnomAD v4.1: 5 of 1,612,062 alleles (0.00031%); highest among the groups gnomAD compares: Admixed American, 0.0017%; no homozygotes.

Submissions (4):

ARUP Laboratories, Molecular Genetics and Genomics, ARUP Laboratories
Classification: Uncertain significance. Last evaluated: 2025-04-22. Review status: criteria provided, single submitter. Criteria: ARUP Molecular Germline Variant Investigation Process 2024. Collection method: clinical testing. Allele origin: germline.
Comment: The NOTCH1 c.1591G>A; p.Glu531Lys variant (rs937879671), to our knowledge, is not reported in the medical literature but is reported in ClinVar (Variation ID: 1775928). This variant is only observed on one allele in the Genome Aggregation Database (v2.1.1), indicating it is not a common polymorphism. Computational analyses are uncertain whether this variant is neutral or deleterious (REVEL: 0.68). Due to limited information, the clinical significance of this variant is uncertain at this time.

GeneDx
Classification: Uncertain significance. Last evaluated: 2023-08-17. Review status: criteria provided, single submitter. Criteria: GeneDx Variant Classification Process June 2021. Collection method: clinical testing. Allele origin: germline. Affected: yes.
Comment: Has not been previously published as pathogenic or benign to our knowledge; Not observed at significant frequency in large population cohorts (gnomAD); In silico analysis supports that this missense variant has a deleterious effect on protein structure/function

Labcorp Genetics (formerly Invitae), Labcorp
Classification: Likely benign for Adams-Oliver syndrome 5. Last evaluated: 2023-06-21. Review status: criteria provided, single submitter. Criteria: Invitae Variant Classification Sherloc (09022015). Collection method: clinical testing. Allele origin: germline.

Ambry Genetics
Classification: Uncertain significance for Familial thoracic aortic aneurysm and aortic dissection. Last evaluated: 2021-07-01. Review status: criteria provided, single submitter. Criteria: Ambry Variant Classification Scheme 2023. Collection method: clinical testing. Allele origin: germline.
Comment: The p.E531K variant (also known as c.1591G>A), located in coding exon 10 of the NOTCH1 gene, results from a G to A substitution at nucleotide position 1591. The glutamic acid at codon 531 is replaced by lysine, an amino acid with similar properties. This amino acid position is conserved. In addition, the in silico prediction for this alteration is inconclusive. Since supporting evidence is limited at this time, the clinical significance of this alteration remains unclear.